The following is an entry in ClinVar:

ClinVar aggregate classification (germline): Uncertain significance. Review status: criteria provided, multiple submitters, no conflicts (2 of 4 stars). 2 submissions from 2 submitters: Uncertain significance (2). Last evaluated 2025-10-14.

Conditions:
NSD1-related disorder. Also called: NSD1-related condition.

Allele frequency attached by ClinVar (database versions not stated): gnomAD 0.00001.
gnomAD v4.1: 2 of 1,613,998 alleles (0.00012%); highest among the groups gnomAD compares: Non-Finnish European, 0.00017%; no homozygotes.

Submissions (2):

PreventionGenetics, part of Exact Sciences
Classification: Uncertain significance for NSD1-related condition. Last evaluated: 2025-10-14. Review status: criteria provided, single submitter. Criteria: ACMG Guidelines, 2015. Collection method: clinical testing. Allele origin: germline.
Comment: The NSD1 c.3207G>C variant is predicted to result in the amino acid substitution p.Gln1069His. To our knowledge, this variant has not been reported in the literature or in a large population database (gnomAD), indicating this variant is rare. At this time, the clinical significance of this variant is uncertain due to the absence of conclusive functional and genetic evidence.

Labcorp Genetics (formerly Invitae), Labcorp
Classification: Uncertain significance. Last evaluated: 2024-11-24. Review status: criteria provided, single submitter. Criteria: Invitae Variant Classification Sherloc (09022015). Collection method: clinical testing. Allele origin: germline.
Comment: This sequence change replaces glutamine, which is neutral and polar, with histidine, which is basic and polar, at codon 1069 of the NSD1 protein (p.Gln1069His). This variant is not present in population databases (gnomAD no frequency). This variant has not been reported in the literature in individuals affected with NSD1-related conditions. ClinVar contains an entry for this variant (Variation ID: 2636825). Invitae Evidence Modeling of protein sequence and biophysical properties (such as structural, functional, and spatial information, amino acid conservation, physicochemical variation, residue mobility, and thermodynamic stability) indicates that this missense variant is not expected to disrupt NSD1 protein function with a negative predictive value of 95%. In summary, the available evidence is currently insufficient to determine the role of this variant in disease. Therefore, it has been classified as a Variant of Uncertain Significance.

NM_022455.5(NSD1):c.3207G>C (p.Gln1069His)

Gene: NSD1 (nuclear receptor binding SET domain protein 1; plus strand). Cytogenetic location: 5q35.3.
Variant type: single nucleotide variant.
Coding change: c.3207G>C on transcript NM_022455.5 (MANE Select); coding-DNA position 3207, G replaced by C.
Protein change: p.Gln1069His; replaces glutamine 1069 with histidine.
Molecular consequence: missense variant.
Genome position (GRCh38, 1-based): chr5:177,211,606, G>C. VCF-style: chr5-177211606-G-C. GRCh37 (hg19) VCF-style: chr5-176638607-G-C.
Other names: c.2334G>C, p.Gln778His (NM_001365684.2, NM_001409306.1, NM_001409307.1 and 3 more transcripts); c.3207G>C, p.Gln1069His (NM_001409301.1, NM_001409302.1, NM_001409303.1); c.2787G>C, p.Gln929His (NM_001409304.1); c.2454G>C, p.Gln818His (NM_001409305.1); short protein forms Q1069H, Q778H, Q818H, Q929H.
Identifiers: ClinVar variation 2636825 (VCV002636825.4), dbSNP rs1300359020, ClinGen allele CA362322794.